The following is an entry in ClinVar:

ClinVar aggregate classification (germline): Conflicting classifications of pathogenicity. Review status: criteria provided, conflicting classifications (1 of 4 stars). 2 submissions from 2 submitters: Uncertain significance (1); Likely benign (1). Last evaluated 2026-10-13.

Conditions:
Hypercholesterolemia, autosomal dominant, type B (FHCL2). Also called: Hyperlipoproteinemia Type IIb; Familial Hypercholesterolemia Type B; Familial hypercholesterolemia 2; APOLIPOPROTEIN B-100, FAMILIAL DEFECTIVE; APOLIPOPROTEIN B-100, FAMILIAL LIGAND-DEFECTIVE; HYPERCHOLESTEROLEMIA, FAMILIAL, DUE TO LIGAND-DEFECTIVE APOLIPOPROTEIN B. Identifiers: MedGen C1704417, MONDO:0007751, OMIM 144010.
Familial hypobetalipoproteinemia 1. Also called: APOB-Related Familial Hypobetalipoproteinemia; Hypobetalipoproteinemia, normotriglyceridemic; Acanthocytosis with hypobetalipoproteinemia. Identifiers: MedGen C4551990, MONDO:0014252, OMIM 615558.
Familial hypercholesterolemia. Also called: Familial hypercholesterolemias; Familial hypercholesterolaemia. Identifiers: MedGen C0020445, MONDO:0005439.

Allele frequency attached by ClinVar (database versions not stated): ExAC 0.00001.
gnomAD v4.1: 3 of 1,612,986 alleles (0.00019%); highest among the groups gnomAD compares: South Asian, 0.0033%; no homozygotes.

Submissions (2):

Cambridge Genomics Laboratory, East Genomic Laboratory Hub, NHS Genomic Medicine Service
Classification: Uncertain significance for Familial hypercholesterolaemia. Last evaluated: 2026-10-13. Review status: criteria provided, single submitter. Criteria: ACGS Best Practice Guidelines for Variant Classification in Rare Disease 2020. Collection method: clinical testing. Allele origin: germline. Affected: yes.
Comment: PM1,PM2_Supporting,PP4

Labcorp Genetics (formerly Invitae), Labcorp
Classification: Likely benign for Familial hypobetalipoproteinemia 1; Hypercholesterolemia, autosomal dominant, type B. Last evaluated: 2025-06-20. Review status: criteria provided, single submitter. Criteria: Invitae Variant Classification Sherloc (09022015). Collection method: clinical testing. Allele origin: germline.

NM_000384.3(APOB):c.12580A>G (p.Ile4194Val)

Gene: APOB (apolipoprotein B; minus strand). Cytogenetic location: 2p24.1.
Variant type: single nucleotide variant.
Coding change: c.12580A>G on transcript NM_000384.3 (MANE Select); coding-DNA position 12580, A replaced by G.
Protein change: p.Ile4194Val; replaces isoleucine 4194 with valine.
Molecular consequence: missense variant.
Genome position (GRCh38, 1-based): chr2:21,002,842, T>C on the plus strand (A>G on the coding strand, the complement: APOB is on the minus strand). VCF-style: chr2-21002842-T-C. GRCh37 (hg19) VCF-style: chr2-21225714-T-C.
Other names: short protein forms I4194V.
Identifiers: ClinVar variation 2930903 (VCV002930903.4), dbSNP rs755234920, ClinGen allele CA050607.